The following is an entry in ClinVar:

NM_000038.6(APC):c.3005C>G (p.Ala1002Gly)

Gene: APC (APC regulator of Wnt signaling pathway; plus strand). Cytogenetic location: 5q22.2.
Variant type: single nucleotide variant.
Coding change: c.3005C>G on transcript NM_000038.6 (MANE Select); coding-DNA position 3005, C replaced by G.
Protein change: p.Ala1002Gly; replaces alanine 1002 with glycine.
Molecular consequence: missense variant.
Genome position (GRCh38, 1-based): chr5:112,838,599, C>G. VCF-style: chr5-112838599-C-G. GRCh37 (hg19) VCF-style: chr5-112174296-C-G.
Other names: c.3005C>G, p.Ala1002Gly (NM_001127510.3, NM_001354895.2); c.2951C>G, p.Ala984Gly (NM_001127511.3); c.3059C>G, p.Ala1020Gly (NM_001354896.2); c.3035C>G, p.Ala1012Gly (NM_001354897.2); c.2930C>G, p.Ala977Gly (NM_001354898.2); c.2921C>G, p.Ala974Gly (NM_001354899.2); c.2882C>G, p.Ala961Gly (NM_001354900.2); c.2828C>G, p.Ala943Gly (NM_001354901.2); and 5 more; short protein forms A1012G, A719G, A876G, A901G, A1020G, A911G, A961G, A974G.
Identifiers: ClinVar variation 1044999 (VCV001044999.17), dbSNP rs765076015, ClinGen allele CA034211.

ClinVar aggregate classification (germline): Uncertain significance. Review status: criteria provided, multiple submitters, no conflicts (2 of 4 stars). 4 submissions from 4 submitters: Uncertain significance (4). Last evaluated 2025-07-21.

Conditions:
Classic or attenuated familial adenomatous polyposis. Identifiers: MedGen CN372698, MONDO:0021057.
Hereditary cancer-predisposing syndrome. Also called: Hereditary Cancer Syndrome; Tumor predisposition; Hereditary neoplastic syndrome; Neoplastic Syndromes, Hereditary. Identifiers: Orphanet 140162, MedGen C0027672, MeSH D009386, MONDO:0015356.
Familial adenomatous polyposis 1 (FAP1). Also called: POLYPOSIS, ADENOMATOUS INTESTINAL; FAMILIAL ADENOMATOUS POLYPOSIS 1, ATTENUATED. Identifiers: MedGen C2713442, MONDO:0021056, OMIM 175100. Disease mechanism: loss of function.

Allele frequency attached by ClinVar (database versions not stated): gnomAD exomes below 0.00001; ExAC 0.00001.
gnomAD v4.1: 2 of 1,614,074 alleles (0.00012%); highest among the groups gnomAD compares: Non-Finnish European, 0.00017%; no homozygotes.

Submissions (4):

Labcorp Genetics (formerly Invitae), Labcorp
Classification: Uncertain significance for Familial adenomatous polyposis 1. Last evaluated: 2025-07-21. Review status: criteria provided, single submitter. Criteria: Invitae Variant Classification Sherloc (09022015). Collection method: clinical testing. Allele origin: germline.
Comment: This sequence change replaces alanine, which is neutral and non-polar, with glycine, which is neutral and non-polar, at codon 1002 of the APC protein (p.Ala1002Gly). This variant is present in population databases (rs765076015, gnomAD 0.0009%). This variant has not been reported in the literature in individuals affected with APC-related conditions. ClinVar contains an entry for this variant (Variation ID: 1044999). Invitae Evidence Modeling of protein sequence and biophysical properties (such as structural, functional, and spatial information, amino acid conservation, physicochemical variation, residue mobility, and thermodynamic stability) indicates that this missense variant is not expected to disrupt APC protein function with a negative predictive value of 95%. In summary, the available evidence is currently insufficient to determine the role of this variant in disease. Therefore, it has been classified as a Variant of Uncertain Significance.

Ambry Genetics
Classification: Uncertain significance for Hereditary cancer-predisposing syndrome. Last evaluated: 2025-07-03. Review status: criteria provided, single submitter. Criteria: Ambry Variant Classification Scheme 2023. Collection method: clinical testing. Allele origin: germline.
Comment: The p.A1002G variant (also known as c.3005C>G), located in coding exon 15 of the APC gene, results from a C to G substitution at nucleotide position 3005. The alanine at codon 1002 is replaced by glycine, an amino acid with similar properties. This amino acid position is highly conserved in available vertebrate species. In addition, in silico predictors for this gene do not accurately predict pathogenicity. Missense alterations in APC are not a common cause of disease (Spier I et al. Genet Med. 2024 Feb;26(2):100992). Since supporting evidence is limited at this time, the clinical significance of this alteration remains unclear.

All of Us Research Program, National Institutes of Health
Classification: Uncertain significance for Classic or attenuated familial adenomatous polyposis. Last evaluated: 2023-12-13. Review status: criteria provided, single submitter. Criteria: ACMG Guidelines, 2015. Collection method: clinical testing. Allele origin: germline. Inheritance: Autosomal dominant inheritance. Observed: 1 variant allele, 1 heterozygote.
Comment: This missense variant replaces alanine with glycine at codon 1002 of the APC protein. Computational prediction suggests that this variant may not impact protein structure and function (internally defined REVEL score threshold <= 0.5, PMID: 27666373). To our knowledge, functional studies have not been reported for this variant. This variant has not been reported in individuals affected with APC-related disorders in the literature. This variant has been identified in 1/251240 chromosomes in the general population by the Genome Aggregation Database (gnomAD). The available evidence is insufficient to determine the role of this variant in disease conclusively. Therefore, this variant is classified as a Variant of Uncertain Significance.

This study involves interpretation of variants in research participants for the purpose of population health screening. Participant phenotype was not available at the time of variant classification. Additional details can be found in publication PMID: 35346344, PMCID: PMC8962531

Institute for Clinical Genetics, University Hospital TU Dresden, University Hospital TU Dresden
Classification: Uncertain significance. Last evaluated: 2021-11-03. Review status: criteria provided, single submitter. Criteria: ACMG Guidelines, 2015. Collection method: clinical testing. Allele origin: germline.

Literature cited by the submitters: PubMed 14999774 (cited by Ambry Genetics).